The following is an entry in ClinVar:

ClinVar aggregate classification (germline): Benign/Likely benign. Review status: criteria provided, multiple submitters, no conflicts (2 of 4 stars). 4 submissions from 4 submitters: Benign (1); Likely benign (3). Last evaluated 2026-02-04.

Conditions:
CACNA1C-related disorder. Also called: CACNA1C-related disorders; CACNA1C-related condition. Identifiers: MONDO:0700321, MedGen CN381092.
Cardiovascular phenotype. Identifiers: MedGen CN230736.
Long QT syndrome (LQTS). Identifiers: MedGen C0023976, MeSH D008133, MONDO:0002442. Disease mechanism: loss of function. Inheritance: Various modes of inheritance.

Allele frequency attached by ClinVar (database versions not stated): gnomAD 0.00001; ExAC 0.00002; gnomAD exomes 0.00001 and 0.00002; TOPMed 0.00003.
gnomAD v4.1: 32 of 1,613,794 alleles (0.002%); highest among the groups gnomAD compares: Middle Eastern, 0.033%; no homozygotes.

Submissions (4):

PreventionGenetics, part of Exact Sciences
Classification: Likely benign for CACNA1C-related condition. Last evaluated: 2026-02-04. Review status: criteria provided, single submitter. Criteria: ACMG Guidelines, 2015. Collection method: clinical testing. Allele origin: germline.
Comment: This variant is classified as likely benign based on ACMG/AMP sequence variant interpretation guidelines (Richards et al. 2015 PMID: 25741868, with internal and published modifications).

Labcorp Genetics (formerly Invitae), Labcorp
Classification: Likely benign for Long QT syndrome. Last evaluated: 2025-12-27. Review status: criteria provided, single submitter. Criteria: Invitae Variant Classification Sherloc (09022015). Collection method: clinical testing. Allele origin: germline.

Ambry Genetics
Classification: Likely benign for Cardiovascular phenotype. Last evaluated: 2020-11-18. Review status: criteria provided, single submitter. Criteria: Ambry Variant Classification Scheme 2023. Collection method: clinical testing. Allele origin: germline.

GeneDx
Classification: Benign. Last evaluated: 2015-03-03. Review status: criteria provided, single submitter. Criteria: GeneDx Variant Classification Process June 2021. Collection method: clinical testing. Allele origin: germline. Affected: yes.

NM_000719.7(CACNA1C):c.4323G>A (p.Thr1441=)

Gene: CACNA1C (calcium voltage-gated channel subunit alpha1 C; plus strand). Cytogenetic location: 12p13.33.
Variant type: single nucleotide variant.
Coding change: c.4323G>A on transcript NM_000719.7 (MANE Select); coding-DNA position 4323, G replaced by A.
Protein change: p.Thr1441=; no amino-acid change (threonine 1441 retained).
Molecular consequence: synonymous variant.
Genome position (GRCh38, 1-based): chr12:2,664,915, G>A. VCF-style: chr12-2664915-G-A. GRCh37 (hg19) VCF-style: chr12-2774081-G-A.
Other names: c.4467G>A, p.Thr1489= (NM_001129827.2, NM_199460.4); c.4389G>A, p.Thr1463= (NM_001129829.2); c.4323G>A, p.Thr1441= (NM_001129830.3, NM_001129833.2, NM_001129834.2 and 7 more transcripts); c.4407G>A, p.Thr1469= (NM_001129831.2); c.4383G>A, p.Thr1461= (NM_001129832.2); c.4374G>A, p.Thr1458= (NM_001129836.2); c.4290G>A, p.Thr1430= (NM_001129837.2, NM_001129838.2, NM_001129846.2 and 1 more transcripts); c.4284G>A, p.Thr1428= (NM_001129839.2); and 1 more.
Identifiers: ClinVar variation 308152 (VCV000308152.17), dbSNP rs753892795, ClinGen allele CA6389526.
Genomic context (GRCh38, chr12:2,664,915, plus strand): 5'-CATGCTGGCCTGCATGCCAGGCAAGAAGTGTGCCCCAGAGTCCGAGCCCAGCAACAGCAC[G>A]GAGGGTGAAACACCCTGTGGTAGCAGCTTTGCTGTCTTCTACTTCATCAGCTTCTACATG-3'
Protein context (NP_000710.5, residues 1431-1451): CAPESEPSNS[Thr1441=]EGETPCGSSF